The following is an entry in ClinVar:

NM_001330260.2(SCN8A):c.4426G>T (p.Gly1476Cys)

Gene: SCN8A (sodium voltage-gated channel alpha subunit 8; plus strand). Cytogenetic location: 12q13.13.
Variant type: single nucleotide variant.
Coding change: c.4426G>T on transcript NM_001330260.2 (MANE Select); coding-DNA position 4426, G replaced by T.
Protein change: p.Gly1476Cys; replaces glycine 1476 with cysteine.
Molecular consequence: missense variant.
Genome position (GRCh38, 1-based): chr12:51,790,404, G>T. VCF-style: chr12-51790404-G-T. GRCh37 (hg19) VCF-style: chr12-52184188-G-T.
Other names: c.4303G>T, p.Gly1435Cys (NM_001177984.3, NM_001369788.1); c.4426G>T, p.Gly1476Cys (NM_014191.4); short protein forms G1435C, G1476C.
Identifiers: ClinVar variation 1718013 (VCV001718013.5), dbSNP rs1064793263, ClinGen allele CA384909012.

ClinVar aggregate classification (germline): Uncertain significance (1 of 4 stars; one submission).

Conditions:
Early-infantile DEE. Also called: Early infantile epileptic encephalopathy with suppression bursts; Early infantile epileptic encephalopathy; Ohtahara syndrome. Identifiers: Orphanet 1934, MedGen C0393706, MONDO:0800491.

Allele frequency attached by ClinVar (database versions not stated): gnomAD exomes below 0.00001.
gnomAD v4.1: 1 of 1,606,578 alleles (0.000062%); highest among the groups gnomAD compares: South Asian, 0.0011%; no homozygotes.

Submission:

Labcorp Genetics (formerly Invitae), Labcorp
Classification: Uncertain significance for Early-infantile DEE. Last evaluated: 2024-04-22. Review status: criteria provided, single submitter. Criteria: Invitae Variant Classification Sherloc (09022015). Collection method: clinical testing. Allele origin: germline.
Comment: This sequence change replaces glycine, which is neutral and non-polar, with cysteine, which is neutral and slightly polar, at codon 1476 of the SCN8A protein (p.Gly1476Cys). This variant is not present in population databases (gnomAD no frequency). This variant has not been reported in the literature in individuals affected with SCN8A-related conditions. ClinVar contains an entry for this variant (Variation ID: 1718013). Advanced modeling of protein sequence and biophysical properties (such as structural, functional, and spatial information, amino acid conservation, physicochemical variation, residue mobility, and thermodynamic stability) performed at Invitae indicates that this missense variant is expected to disrupt SCN8A protein function with a positive predictive value of 95%. Algorithms developed to predict the effect of sequence changes on RNA splicing suggest that this variant may create or strengthen a splice site. In summary, the available evidence is currently insufficient to determine the role of this variant in disease. Therefore, it has been classified as a Variant of Uncertain Significance.